The following is an entry in ClinVar:

NM_000179.3(MSH6):c.1435A>T (p.Lys479Ter)

Gene: MSH6 (mutS homolog 6; plus strand). Cytogenetic location: 2p16.3.
Variant type: single nucleotide variant.
Coding change: c.1435A>T on transcript NM_000179.3 (MANE Select); coding-DNA position 1435, A replaced by T.
Protein change: p.Lys479Ter; replaces lysine 479 with a stop codon.
Molecular consequence: nonsense. On other transcripts: non-coding transcript variant (4), intron variant (1).
Genome position (GRCh38, 1-based): chr2:47,799,418, A>T. VCF-style: chr2-47799418-A-T. GRCh37 (hg19) VCF-style: chr2-48026557-A-T.
Other names: c.529A>T, p.Lys177Ter (NM_001406814.1, NM_001406815.1, NM_001406816.1 and 6 more transcripts); c.1435A>T, p.Lys479Ter (NM_001406817.1, NM_001406808.1, NM_001406809.1 and 4 more transcripts); c.1138A>T, p.Lys380Ter (NM_001406818.1, NM_001406819.1, NM_001406820.1 and 10 more transcripts); c.1357A>T, p.Lys453Ter (NM_001406804.1); c.910A>T, p.Lys304Ter (NM_001406806.1, NM_001406807.1, NM_001406799.1); c.1441A>T, p.Lys481Ter (NM_001406813.1); c.1267A>T, p.Lys423Ter (NM_001406826.1); c.628-1248A>T (NM_001407362.1); and 2 more; short protein forms K304*, K380*, K349*, K423*, K479*, K481*, K453*, K177*.
Identifiers: ClinVar variation 3638400 (VCV003638400.2).

ClinVar aggregate classification (germline): Pathogenic (1 of 4 stars; one submission).

Conditions:
Hereditary nonpolyposis colorectal neoplasms. Identifiers: MedGen C0009405, MeSH D003123.

Submission:

Labcorp Genetics (formerly Invitae), Labcorp
Classification: Pathogenic for Hereditary nonpolyposis colorectal neoplasms. Last evaluated: 2024-02-02. Review status: criteria provided, single submitter. Criteria: Invitae Variant Classification Sherloc (09022015). Collection method: clinical testing. Allele origin: germline.
Comment: This sequence change creates a premature translational stop signal (p.Lys479*) in the MSH6 gene. It is expected to result in an absent or disrupted protein product. Loss-of-function variants in MSH6 are known to be pathogenic (PMID: 18269114, 24362816). This variant is not present in population databases (gnomAD no frequency). This variant has not been reported in the literature in individuals affected with MSH6-related conditions. For these reasons, this variant has been classified as Pathogenic.

Literature cited by the submitters: PubMed 18269114; PubMed 24362816.